The following is an entry in ClinVar:

ClinVar aggregate classification (germline): Uncertain significance. Review status: criteria provided, multiple submitters, no conflicts (2 of 4 stars). 2 submissions from 2 submitters: Uncertain significance (2). Last evaluated 2025-08-26.

Allele frequency attached by ClinVar (database versions not stated): ExAC 0.00001; gnomAD exomes 0.00002; gnomAD 0.00003; TOPMed 0.00003.
gnomAD v4.1: 65 of 1,614,222 alleles (0.004%); highest among the groups gnomAD compares: African/African-American, 0.037%; 1 homozygote.

Submissions (2):

Labcorp Genetics (formerly Invitae), Labcorp
Classification: Uncertain significance. Last evaluated: 2025-08-26. Review status: criteria provided, single submitter. Criteria: Invitae Variant Classification Sherloc (09022015). Collection method: clinical testing. Allele origin: germline.
Comment: This sequence change replaces glycine, which is neutral and non-polar, with glutamic acid, which is acidic and polar, at codon 117 of the IL18BP protein (p.Gly117Glu). This variant is present in population databases (rs111625248, gnomAD 0.01%). This variant has not been reported in the literature in individuals affected with IL18BP-related conditions. ClinVar contains an entry for this variant (Variation ID: 2413798). An algorithm developed to predict the effect of missense changes on protein structure and function (PolyPhen-2) suggests that this variant is likely to be disruptive. In summary, the available evidence is currently insufficient to determine the role of this variant in disease. Therefore, it has been classified as a Variant of Uncertain Significance.

Ambry Genetics
Classification: Uncertain significance. Last evaluated: 2025-06-07. Review status: criteria provided, single submitter. Criteria: Ambry Variant Classification Scheme 2023. Collection method: clinical testing. Allele origin: germline.

NM_001039660.2(IL18BP):c.350G>A (p.Gly117Glu)

Gene: IL18BP (interleukin 18 binding protein; plus strand). Cytogenetic location: 11q13.4.
Variant type: single nucleotide variant.
Coding change: c.350G>A on transcript NM_001039660.2 (MANE Select); coding-DNA position 350, G replaced by A.
Protein change: p.Gly117Glu; replaces glycine 117 with glutamic acid.
Molecular consequence: missense variant. On other transcripts: intron variant (1).
Genome position (GRCh38, 1-based): chr11:72,001,315, G>A. VCF-style: chr11-72001315-G-A. GRCh37 (hg19) VCF-style: chr11-71712361-G-A.
Other names: c.350G>A, p.Gly117Glu (NM_001039659.2, NM_001145057.1, NM_005699.3 and 2 more transcripts); c.236-469G>A (NM_001145055.1); short protein forms G117E.
Identifiers: ClinVar variation 2413798 (VCV002413798.6), dbSNP rs111625248, ClinGen allele CA6166193.